The following is an entry in ClinVar:

ClinVar aggregate classification (germline): Uncertain significance. Review status: criteria provided, multiple submitters, no conflicts (2 of 4 stars). 2 submissions from 2 submitters: Uncertain significance (2). Last evaluated 2025-07-11.

Conditions:
Inborn genetic diseases. Identifiers: MedGen C0950123, MeSH D030342.

Allele frequency attached by ClinVar (database versions not stated): ExAC 0.00002.
gnomAD v4.1: 54 of 1,612,830 alleles (0.0033%); highest among the groups gnomAD compares: Non-Finnish European, 0.0043%; no homozygotes.

Submissions (2):

GeneDx
Classification: Uncertain significance. Last evaluated: 2025-07-11. Review status: criteria provided, single submitter. Criteria: GeneDx Variant Classification Process June 2021. Collection method: clinical testing. Allele origin: germline. Affected: yes.
Comment: Not observed at significant frequency in large population cohorts (gnomAD); In silico analysis suggests that this missense variant does not alter protein structure/function; Has not been previously published as pathogenic or benign to our knowledge

Ambry Genetics
Classification: Uncertain significance for Inborn genetic diseases. Last evaluated: 2023-04-10. Review status: criteria provided, single submitter. Criteria: Ambry Variant Classification Scheme 2023. Collection method: clinical testing. Allele origin: germline.

NM_178554.6(KY):c.347G>A (p.Gly116Asp)

Genes: CEP63 (centrosomal protein 63; plus strand), KY (kyphoscoliosis peptidase; minus strand). Cytogenetic location: 3q22.2.
Variant type: single nucleotide variant.
Coding change: c.347G>A on transcript NM_178554.6 (MANE Select); coding-DNA position 347, G replaced by A.
Protein change: p.Gly116Asp; replaces glycine 116 with aspartic acid.
Molecular consequence: missense variant.
Genome position (GRCh38, 1-based): chr3:134,627,809, C>T on the plus strand (G>A on the coding strand, the complement: KY is on the minus strand). VCF-style: chr3-134627809-C-T. GRCh37 (hg19) VCF-style: chr3-134346651-C-T.
Other names: c.299G>A, p.Gly100Asp (NM_001350859.2); c.221G>A, p.Gly74Asp (NM_001350860.2); c.284G>A, p.Gly95Asp (NM_001366276.1); c.347G>A, p.Gly116Asp (NM_001366277.2); short protein forms G100D, G74D, G116D, G95D.
Identifiers: ClinVar variation 2535692 (VCV002535692.3), dbSNP rs753472064, ClinGen allele CA2629305.
Genomic context (GRCh38, chr3:134,627,809, plus strand): 5'-AACTTACCATGGGCATCTTTCCCTCCAGGTTGCCGGGGTCTTGTGTTTCCATTTTTATCA[C>T]CTTGTAAACCTACAATATTCCAAAGATCAGAAGTATAGATACTTCAGAAGAAACAGAAAT-3'
Protein context (NP_848649.3, residues 106-126): KKFSLAKRLQ[Gly116Asp]DKNGNTRPRQ